The following is an entry in ClinVar:

ClinVar aggregate classification (germline): Uncertain significance (1 of 4 stars; one submission).

Conditions:
Episodic kinesigenic dyskinesia (EKD). Also called: Paroxysmal kinesigenic dyskinesia. Identifiers: Orphanet 98809, MedGen C1868682, MONDO:0044202.

Submission:

Labcorp Genetics (formerly Invitae), Labcorp
Classification: Uncertain significance for Episodic kinesigenic dyskinesia. Last evaluated: 2023-07-06. Review status: criteria provided, single submitter. Criteria: Invitae Variant Classification Sherloc (09022015). Collection method: clinical testing. Allele origin: germline.
Comment: In summary, the available evidence is currently insufficient to determine the role of this variant in disease. Therefore, it has been classified as a Variant of Uncertain Significance. Advanced modeling of protein sequence and biophysical properties (such as structural, functional, and spatial information, amino acid conservation, physicochemical variation, residue mobility, and thermodynamic stability) performed at Invitae indicates that this missense variant is not expected to disrupt PRRT2 protein function. ClinVar contains an entry for this variant (Variation ID: 940425). This variant has not been reported in the literature in individuals affected with PRRT2-related conditions. This variant is not present in population databases (gnomAD no frequency). This sequence change replaces serine, which is neutral and polar, with arginine, which is basic and polar, at codon 90 of the PRRT2 protein (p.Ser90Arg).

NM_145239.3(PRRT2):c.270C>A (p.Ser90Arg)

Genes: MVP-DT (MVP divergent transcript; minus strand), PRRT2 (proline rich transmembrane protein 2; plus strand). Cytogenetic location: 16p11.2.
Variant type: single nucleotide variant.
Coding change: c.270C>A on transcript NM_145239.3 (MANE Select); coding-DNA position 270, C replaced by A.
Protein change: p.Ser90Arg; replaces serine 90 with arginine.
Molecular consequence: missense variant.
Genome position (GRCh38, 1-based): chr16:29,813,324, C>A. VCF-style: chr16-29813324-C-A. GRCh37 (hg19) VCF-style: chr16-29824645-C-A.
Other names: c.270C>A, p.Ser90Arg (NM_001256442.2, NM_001256443.2); short protein forms S90R.
Identifiers: ClinVar variation 940425 (VCV000940425.8), dbSNP rs1900072947, ClinGen allele CA395477943.
Genomic context (GRCh38, chr16:29,813,324, plus strand): 5'-AACCACAGAGACCCCGGCTGGGGCCTCAGAAACAGCCCAGGCCACAGACCTCAGCTTAAG[C>A]CCAGGAGGGGAATCAAAGGCCAACTGCAGCCCCGAAGACCCATGCCAAGAAACAGTGTCC-3'
Protein context (NP_660282.2, residues 80-100): ETAQATDLSL[Ser90Arg]PGGESKANCS